The following is an entry in ClinVar:

NM_004104.5(FASN):c.2806C>G (p.Arg936Gly)

Gene: FASN (fatty acid synthase; minus strand). Cytogenetic location: 17q25.3.
Variant type: single nucleotide variant.
Coding change: c.2806C>G on transcript NM_004104.5 (MANE Select); coding-DNA position 2806, C replaced by G.
Protein change: p.Arg936Gly; replaces arginine 936 with glycine.
Molecular consequence: missense variant.
Genome position (GRCh38, 1-based): chr17:82,088,014, G>C on the plus strand (C>G on the coding strand, the complement: FASN is on the minus strand). VCF-style: chr17-82088014-G-C. GRCh37 (hg19) VCF-style: chr17-80045890-G-C.
Other names: short protein forms R936G.
Identifiers: ClinVar variation 2880976 (VCV002880976.3), dbSNP rs770930583, ClinGen allele CA401555720.
Genomic context (GRCh38, chr17:82,088,014, plus strand): 5'-CACTCACTACCAGGTTGCCGTTCTCTGACACCTCGAAGGCACGGGAGGCCTCCAGGAGCC[G>C]TACCTCCAGGGACACTGTCCCTGCAGAGCGGGAGAGTTGGAGATCAGAGGGCAGCACCCG-3'
Protein context (NP_004095.4, residues 926-946): PKTGTVSLEV[Arg936Gly]LLEASRAFEV

ClinVar aggregate classification (germline): Uncertain significance (1 of 4 stars; one submission).

Conditions:
Epileptic encephalopathy. Identifiers: MedGen C0543888, HP:0200134.

gnomAD v4.1: 12 of 1,612,752 alleles (0.00074%); highest among the groups gnomAD compares: Non-Finnish European, 0.001%; no homozygotes.

Submission:

Labcorp Genetics (formerly Invitae), Labcorp
Classification: Uncertain significance for Epileptic encephalopathy. Last evaluated: 2025-04-21. Review status: criteria provided, single submitter. Criteria: Invitae Variant Classification Sherloc (09022015). Collection method: clinical testing. Allele origin: germline.
Comment: This sequence change replaces arginine, which is basic and polar, with glycine, which is neutral and non-polar, at codon 936 of the FASN protein (p.Arg936Gly). This variant is not present in population databases (gnomAD no frequency). This variant has not been reported in the literature in individuals affected with FASN-related conditions. ClinVar contains an entry for this variant (Variation ID: 2880976). An algorithm developed to predict the effect of missense changes on protein structure and function (PolyPhen-2) suggests that this variant is likely to be disruptive. In summary, the available evidence is currently insufficient to determine the role of this variant in disease. Therefore, it has been classified as a Variant of Uncertain Significance.